The following is an entry in ClinVar:

ClinVar aggregate classification (germline): Uncertain significance (1 of 4 stars; one submission).

Submission:

Labcorp Genetics (formerly Invitae), Labcorp
Classification: Uncertain significance. Last evaluated: 2022-02-22. Review status: criteria provided, single submitter. Criteria: Invitae Variant Classification Sherloc (09022015). Collection method: clinical testing. Allele origin: germline.
Comment: In summary, the available evidence is currently insufficient to determine the role of this variant in disease. Therefore, it has been classified as a Variant of Uncertain Significance. Experimental studies and prediction algorithms are not available or were not evaluated, and the functional significance of this variant is currently unknown. This variant has not been reported in the literature in individuals affected with COL18A1-related conditions. This variant is not present in population databases (gnomAD no frequency). This sequence change replaces lysine, which is basic and polar, with arginine, which is basic and polar, at codon 744 of the COL18A1 protein (p.Lys744Arg).

NM_001379500.1(COL18A1):c.2231A>G (p.Lys744Arg)

Gene: COL18A1 (collagen type XVIII alpha 1 chain; plus strand). Cytogenetic location: 21q22.3.
Variant type: single nucleotide variant.
Coding change: c.2231A>G on transcript NM_001379500.1 (MANE Select); coding-DNA position 2231, A replaced by G.
Protein change: p.Lys744Arg; replaces lysine 744 with arginine.
Molecular consequence: missense variant.
Genome position (GRCh38, 1-based): chr21:45,493,179, A>G. VCF-style: chr21-45493179-A-G. GRCh37 (hg19) VCF-style: chr21-46913093-A-G.
Other names: c.2771A>G, p.Lys924Arg (NM_030582.4); c.3476A>G, p.Lys1159Arg (NM_130444.3); short protein forms K924R, K744R, K1159R.
Identifiers: ClinVar variation 2101878 (VCV002101878.4), dbSNP rs2517693830, ClinGen allele CA410497275.